The following is an entry in ClinVar:

NM_000138.5(FBN1):c.1211C>T (p.Pro404Leu)

Gene: FBN1 (fibrillin 1; minus strand). Cytogenetic location: 15q21.1.
Variant type: single nucleotide variant.
Coding change: c.1211C>T on transcript NM_000138.5 (MANE Select); coding-DNA position 1211, C replaced by T.
Protein change: p.Pro404Leu; replaces proline 404 with leucine.
Molecular consequence: missense variant.
Genome position (GRCh38, 1-based): chr15:48,516,299, G>A on the plus strand (C>T on the coding strand, the complement: FBN1 is on the minus strand). VCF-style: chr15-48516299-G-A. GRCh37 (hg19) VCF-style: chr15-48808496-G-A.
Other names: short protein forms P404L.
Identifiers: ClinVar variation 657652 (VCV000657652.13), dbSNP rs779930519, ClinGen allele CA392345611.
Genomic context (GRCh38, chr15:48,516,299, plus strand): 5'-TGAGGTCCAGGAGGAAAGCCAGGAGGAACAGGGAGAACTGGAGGAATGGGGCCAAGGGGT[G>A]GGGGAGGATATTCTGGTCTCCCAGGAATTACCATAGGAACAGAGCACAGCTTGTTGAAAT-3'
Protein context (NP_000129.3, residues 394-414): VIPGRPEYPP[Pro404Leu]PLGPIPPVLP

ClinVar aggregate classification (germline): Conflicting classifications of pathogenicity. Review status: criteria provided, conflicting classifications (1 of 4 stars). 4 submissions from 4 submitters: Uncertain significance (3); Likely benign (1). Last evaluated 2024-07-20.

Conditions:
Familial thoracic aortic aneurysm and aortic dissection (TAAD). Also called: Thoracic aortic aneurysms and dissections. Identifiers: Orphanet 91387, MedGen C4707243, MONDO:0019625.
Marfan syndrome (MFS). Also called: FBN1-Related Marfan Syndrome; Marfan syndrome type 1; Marfan's syndrome; Marfan syndrome, classic; MARFAN SYNDROME, TYPE I. Identifiers: Orphanet 284963, Orphanet 558, MedGen C0024796, MONDO:0007947, OMIM 154700.

Allele frequency attached by ClinVar (database versions not stated): TOPMed 0.00002.
gnomAD v4.1: 3 of 1,613,806 alleles (0.00019%); highest among the groups gnomAD compares: East Asian, 0.0022%; no homozygotes.

Submissions (4):

All of Us Research Program, National Institutes of Health
Classification: Uncertain significance for Marfan syndrome. Last evaluated: 2024-07-20. Review status: criteria provided, single submitter. Criteria: ACMG Guidelines, 2015. Collection method: clinical testing. Allele origin: germline. Inheritance: Autosomal dominant inheritance. Observed: 1 variant allele, 1 heterozygote.
Comment: This missense variant replaces proline with leucine at codon 404 of the FBN1 protein. Computational prediction tools and conservation analyses are inconclusive regarding the impact of this variant on the protein function. Computational splicing tools suggest that this variant may not impact RNA splicing. To our knowledge, functional assays have not been performed for this variant nor has this variant been reported in individuals affected with cardiovascular disorders in the literature. This variant has been identified in 1/250990 chromosomes in the general population by the Genome Aggregation Database (gnomAD). Available evidence is insufficient to determine the role of this variant in disease conclusively. Therefore, this variant is classified as a Variant of Uncertain Significance.

This study involves interpretation of variants in research participants for the purpose of population health screening. Participant phenotype was not available at the time of variant classification. Additional details can be found in publication PMID: 35346344, PMCID: PMC8962531

Color Diagnostics, LLC DBA Color Health
Classification: Uncertain significance for Familial thoracic aortic aneurysm and aortic dissection. Last evaluated: 2023-12-04. Review status: criteria provided, single submitter. Criteria: ACMG Guidelines, 2015. Collection method: clinical testing. Allele origin: germline.
Comment: This missense variant replaces proline with leucine at codon 404 of the FBN1 protein. Computational prediction tools and conservation analyses are inconclusive regarding the impact of this variant on the protein function. Computational splicing tools suggest that this variant may not impact RNA splicing. To our knowledge, functional assays have not been performed for this variant nor has this variant been reported in individuals affected with cardiovascular disorders in the literature. This variant has been identified in 1/250990 chromosomes in the general population by the Genome Aggregation Database (gnomAD). Available evidence is insufficient to determine the role of this variant in disease conclusively. Therefore, this variant is classified as a Variant of Uncertain Significance.

Labcorp Genetics (formerly Invitae), Labcorp
Classification: Likely benign for Marfan syndrome; Familial thoracic aortic aneurysm and aortic dissection. Last evaluated: 2022-11-15. Review status: criteria provided, single submitter. Criteria: Invitae Variant Classification Sherloc (09022015). Collection method: clinical testing. Allele origin: germline.

Ambry Genetics
Classification: Uncertain significance for Familial thoracic aortic aneurysm and aortic dissection. Last evaluated: 2022-05-25. Review status: criteria provided, single submitter. Criteria: Ambry Variant Classification Scheme 2023. Collection method: clinical testing. Allele origin: germline.
Comment: The p.P404L variant (also known as c.1211C>T), located in coding exon 10 of the FBN1 gene, results from a C to T substitution at nucleotide position 1211. The proline at codon 404 is replaced by leucine, an amino acid with similar properties. This amino acid position is highly conserved in available vertebrate species. In addition, this alteration is predicted to be tolerated by in silico analysis. Since supporting evidence is limited at this time, the clinical significance of this alteration remains unclear.